The following is an entry in ClinVar:

ClinVar aggregate classification (germline): Likely benign (1 of 4 stars; one submission).

Conditions:
Hirschsprung disease, susceptibility to, 4. Identifiers: Orphanet 388, MedGen C3150975, MONDO:0013384, OMIM 613712.

Allele frequency attached by ClinVar (database versions not stated): gnomAD 0.00006 and 0.00009; TOPMed 0.00009; 1000 Genomes Project 30x 0.00031; 1000 Genomes Project 0.00040.

Submission:

Illumina Laboratory Services, Illumina
Classification: Likely benign for Hirschsprung disease, susceptibility to, 4. Last evaluated: 2018-01-12. Review status: criteria provided, single submitter. Criteria: ICSL Variant Classification Criteria 13 December 2019. Collection method: clinical testing. Allele origin: germline.
Comment: This variant was observed in the ICSL laboratory as part of a predisposition screen in an ostensibly healthy population. It had not been previously curated by ICSL or reported in the Human Gene Mutation Database (HGMD: prior to June 1st, 2018), and was therefore a candidate for classification through an automated scoring system. Utilizing variant allele frequency, disease prevalence and penetrance estimates, and inheritance mode, an automated score was calculated to assess if this variant is too frequent to cause the disease. Based on the score and internal cut-off values, a variant classified as likely benign is not then subjected to further curation. The score for this variant resulted in a classification of likely benign for this disease.

NM_207034.3(EDN3):c.*962C>T

Gene: EDN3 (endothelin 3; plus strand). Cytogenetic location: 20q13.32.
Variant type: single nucleotide variant.
Coding change: c.*962C>T on transcript NM_207034.3 (MANE Select); 962 bases downstream of the stop codon, C replaced by T.
Molecular consequence: 3 prime UTR variant.
Genome position (GRCh38, 1-based): chr20:59,325,421, C>T. VCF-style: chr20-59325421-C-T. GRCh37 (hg19) VCF-style: chr20-57900476-C-T.
Other names: c.*1086C>T (NM_001302455.2); c.*1054C>T (NM_001302456.2, NM_207032.3); c.*962C>T (NM_207033.3).
Identifiers: ClinVar variation 339155 (VCV000339155.5), dbSNP rs138371508, ClinGen allele CA10652735.